The following is an entry in ClinVar:

NM_001276345.2(TNNT2):c.118G>A (p.Glu40Lys)

Gene: TNNT2 (troponin T2, cardiac type; minus strand). Cytogenetic location: 1q32.1.
Variant type: single nucleotide variant.
Coding change: c.118G>A on transcript NM_001276345.2 (MANE Select); coding-DNA position 118, G replaced by A.
Protein change: p.Glu40Lys; replaces glutamic acid 40 with lysine.
Molecular consequence: missense variant.
Genome position (GRCh38, 1-based): chr1:201,368,207, C>T on the plus strand (G>A on the coding strand, the complement: TNNT2 is on the minus strand). VCF-style: chr1-201368207-C-T. GRCh37 (hg19) VCF-style: chr1-201337335-C-T.
Other names: c.118G>A, p.Glu40Lys (NM_000364.4, NM_001276346.2); c.88G>A, p.Glu30Lys (NM_001001430.3, NM_001001431.3, NM_001276347.2); c.73G>A, p.Glu25Lys (NM_001001432.3); short protein forms E40K, E25K, E30K.
Identifiers: ClinVar variation 1409874 (VCV001409874.6), dbSNP rs2102283637, ClinGen allele CA344207345.

ClinVar aggregate classification (germline): Uncertain significance (1 of 4 stars; one submission).

Conditions:
Hypertrophic cardiomyopathy 2. Also called: TNNT2-Related Familial Hypertrophic Cardiomyopathy. Identifiers: MedGen C1861864, MONDO:0007266, OMIM 115195.
Dilated cardiomyopathy 1D. Identifiers: Orphanet 154, Orphanet 54260, MedGen C1832243, MONDO:0011095, OMIM 601494.
Cardiomyopathy, familial restrictive, 3. Identifiers: Orphanet 75249, MedGen C2676271, MONDO:0012900, OMIM 612422.

Submission:

Labcorp Genetics (formerly Invitae), Labcorp
Classification: Uncertain significance for Cardiomyopathy, familial restrictive, 3; Hypertrophic cardiomyopathy 2; Dilated cardiomyopathy 1D. Last evaluated: 2021-08-07. Review status: criteria provided, single submitter. Criteria: Invitae Variant Classification Sherloc (09022015). Collection method: clinical testing. Allele origin: germline.
Comment: Algorithms developed to predict the effect of missense changes on protein structure and function are either unavailable or do not agree on the potential impact of this missense change (SIFT: "Tolerated"; PolyPhen-2: "Not Available"; Align-GVGD: "Class C0"). In summary, the available evidence is currently insufficient to determine the role of this variant in disease. Therefore, it has been classified as a Variant of Uncertain Significance. This variant has not been reported in the literature in individuals affected with TNNT2-related conditions. This variant is not present in population databases (ExAC no frequency). This sequence change replaces glutamic acid with lysine at codon 30 of the TNNT2 protein (p.Glu30Lys). The glutamic acid residue is moderately conserved and there is a small physicochemical difference between glutamic acid and lysine.